The following is an entry in ClinVar:

ClinVar aggregate classification (germline): Uncertain significance (1 of 4 stars; one submission).

Submission:

GeneDx
Classification: Uncertain significance. Last evaluated: 2024-11-04. Review status: criteria provided, single submitter. Criteria: GeneDx Variant Classification Process June 2021. Collection method: clinical testing. Allele origin: germline. Affected: yes.
Comment: Not observed at significant frequency in large population cohorts (gnomAD); In silico analysis supports that this missense variant has a deleterious effect on protein structure/function; Has not been previously published as pathogenic or benign to our knowledge

NM_001130438.3(SPTAN1):c.2066A>G (p.Asp689Gly)

Gene: SPTAN1 (spectrin alpha, non-erythrocytic 1; plus strand). Cytogenetic location: 9q34.11.
Variant type: single nucleotide variant.
Coding change: c.2066A>G on transcript NM_001130438.3 (MANE Select); coding-DNA position 2066, A replaced by G.
Protein change: p.Asp689Gly; replaces aspartic acid 689 with glycine.
Molecular consequence: missense variant.
Genome position (GRCh38, 1-based): chr9:128,583,842, A>G. VCF-style: chr9-128583842-A-G. GRCh37 (hg19) VCF-style: chr9-131346121-A-G.
Other names: c.2066A>G, p.Asp689Gly (NM_001195532.2, NM_001363759.2, NM_001363765.2 and 5 more transcripts); c.2102A>G, p.Asp701Gly (NM_001375312.2, NM_001375318.1); short protein forms D689G, D701G.
Identifiers: ClinVar variation 2575754 (VCV002575754.2), dbSNP rs2541184170, ClinGen allele CA375056073.